The following is an entry in ClinVar:

NM_001379451.1(BCORL1):c.4574A>G (p.His1525Arg)

Gene: BCORL1 (BCL6 corepressor like 1; plus strand). Cytogenetic location: Xq26.1.
Variant type: single nucleotide variant.
Coding change: c.4574A>G on transcript NM_001379451.1 (MANE Select); coding-DNA position 4574, A replaced by G.
Protein change: p.His1525Arg; replaces histidine 1525 with arginine.
Molecular consequence: missense variant.
Genome position (GRCh38, 1-based): chrX:130,037,413, A>G. VCF-style: chrX-130037413-A-G. GRCh37 (hg19) VCF-style: chrX-129171388-A-G.
Other names: c.4574A>G, p.His1525Arg (NM_001184772.3, NM_001379450.1); c.4352A>G, p.His1451Arg (NM_021946.5); short protein forms H1451R, H1525R.
Identifiers: ClinVar variation 3359845 (VCV003359845.1).

ClinVar aggregate classification (germline): Uncertain significance (1 of 4 stars; one submission).

Submission:

GeneDx
Classification: Uncertain significance. Last evaluated: 2023-06-13. Review status: criteria provided, single submitter. Criteria: GeneDx Variant Classification Process June 2021. Collection method: clinical testing. Allele origin: germline. Affected: yes.
Comment: Not observed at significant frequency in large population cohorts (gnomAD); In silico analysis supports that this missense variant has a deleterious effect on protein structure/function; Has not been previously published as pathogenic or benign to our knowledge